The following is an entry in ClinVar:

ClinVar aggregate classification (germline): Conflicting classifications of pathogenicity. Review status: criteria provided, conflicting classifications (1 of 4 stars). 3 submissions from 3 submitters: Uncertain significance (2); Likely benign (1). Last evaluated 2025-11-21.

Conditions:
CARDIOMYOPATHY, DILATED, 2N (CMD2N). Identifiers: MedGen CN381645, OMIM 621595.
Cardiovascular phenotype. Identifiers: MedGen CN230736.

gnomAD v4.1: 706 of 1,614,084 alleles (0.044%); highest among the groups gnomAD compares: Non-Finnish European, 0.054%; no homozygotes.

Submissions (3):

Clinical Genomics Laboratory, Washington University in St. Louis
Classification: Uncertain significance for CARDIOMYOPATHY, DILATED, 2N. Last evaluated: 2025-11-21. Review status: criteria provided, single submitter. Criteria: ACMG Guidelines, 2015. Collection method: clinical testing. Allele origin: germline.
Comment: The NRAP c.3869C>T (p.Ala1290Val) variant, to our knowledge, has not been reported in the medical literature, however, has been reported in the ClinVar database (Variation ID: 3894744) as a germline variant of uncertain by one submitter. This variant is observed in 98/282,866 alleles in the general population and in one homozygote (gnomAD v2.1.1), indicating it is not a common variant. Computational predictors suggest that the variant does not impact NRAP function. Due to limited information, the clinical significance of this variant is uncertain.

Molecular Diagnostic Laboratory for Inherited Cardiovascular Disease, Montreal Heart Institute
Classification: Uncertain significance for Cardiovascular phenotype. Last evaluated: 2025-04-09. Review status: criteria provided, single submitter. Criteria: ACMG Guidelines, 2015. Collection method: clinical testing. Allele origin: germline. Affected: yes.

Blueprint Genetics
Classification: Likely benign. Last evaluated: 2024-10-07. Review status: criteria provided, single submitter. Criteria: ACMG Guidelines, 2015. Collection method: clinical testing. Allele origin: germline.

NM_198060.4(NRAP):c.3869C>T (p.Ala1290Val)

Gene: NRAP (nebulin related anchoring protein; minus strand). Cytogenetic location: 10q25.3.
Variant type: single nucleotide variant.
Coding change: c.3869C>T on transcript NM_198060.4 (MANE Select); coding-DNA position 3869, C replaced by T.
Protein change: p.Ala1290Val; replaces alanine 1290 with valine.
Molecular consequence: missense variant.
Genome position (GRCh38, 1-based): chr10:113,605,808, G>A on the plus strand (C>T on the coding strand, the complement: NRAP is on the minus strand). VCF-style: chr10-113605808-G-A. GRCh37 (hg19) VCF-style: chr10-115365567-G-A.
Other names: c.3869C>T, p.Ala1290Val (NM_001261463.2); c.3761C>T, p.Ala1254Val (NM_001322945.2); c.3764C>T, p.Ala1255Val (NM_006175.5); short protein forms A1254V, A1255V, A1290V.
Identifiers: ClinVar variation 3894744 (VCV003894744.2), dbSNP rs139390830.